The following is an entry in ClinVar:

NM_198576.4(AGRN):c.1972G>A (p.Glu658Lys)

Gene: AGRN (agrin; plus strand). Cytogenetic location: 1p36.33.
Variant type: single nucleotide variant.
Coding change: c.1972G>A on transcript NM_198576.4 (MANE Select); coding-DNA position 1972, G replaced by A.
Protein change: p.Glu658Lys; replaces glutamic acid 658 with lysine.
Molecular consequence: missense variant.
Genome position (GRCh38, 1-based): chr1:1,043,996, G>A. VCF-style: chr1-1043996-G-A. GRCh37 (hg19) VCF-style: chr1-979376-G-A.
Other names: c.1972G>A, p.Glu658Lys (NM_001305275.2); c.1657G>A, p.Glu553Lys (NM_001364727.2); short protein forms E553K, E658K.
Identifiers: ClinVar variation 1907256 (VCV001907256.5), dbSNP rs1205225964, ClinGen allele CA337835601.

ClinVar aggregate classification (germline): Uncertain significance (1 of 4 stars; one submission).

Conditions:
Congenital myasthenic syndrome 8. Also called: MYASTHENIC SYNDROME, CONGENITAL, DUE TO AGRIN DEFICIENCY; Myasthenic syndrome, congenital, 8, with pre- and postsynaptic defects. Identifiers: Orphanet 590, MedGen C3808739, MONDO:0014052, OMIM 615120.

Submission:

Labcorp Genetics (formerly Invitae), Labcorp
Classification: Uncertain significance for Congenital myasthenic syndrome 8. Last evaluated: 2024-08-07. Review status: criteria provided, single submitter. Criteria: Invitae Variant Classification Sherloc (09022015). Collection method: clinical testing. Allele origin: germline.
Comment: This sequence change replaces glutamic acid, which is acidic and polar, with lysine, which is basic and polar, at codon 658 of the AGRN protein (p.Glu658Lys). This variant is not present in population databases (gnomAD no frequency). This variant has not been reported in the literature in individuals affected with AGRN-related conditions. ClinVar contains an entry for this variant (Variation ID: 1907256). An algorithm developed to predict the effect of missense changes on protein structure and function (PolyPhen-2) suggests that this variant is likely to be disruptive. In summary, the available evidence is currently insufficient to determine the role of this variant in disease. Therefore, it has been classified as a Variant of Uncertain Significance.